The following is an entry in ClinVar:

NM_001453.3(FOXC1):c.837G>T (p.Ser279=)

Gene: FOXC1 (forkhead box C1; plus strand). Cytogenetic location: 6p25.3.
Variant type: single nucleotide variant.
Coding change: c.837G>T on transcript NM_001453.3 (MANE Select); coding-DNA position 837, G replaced by T.
Protein change: p.Ser279=; no amino-acid change (serine 279 retained).
Molecular consequence: synonymous variant.
Genome position (GRCh38, 1-based): chr6:1,611,282, G>T. VCF-style: chr6-1611282-G-T. GRCh37 (hg19) VCF-style: chr6-1611517-G-T.
Identifiers: ClinVar variation 3715825 (VCV003715825.2).

ClinVar aggregate classification (germline): Uncertain significance (1 of 4 stars; one submission).

Conditions:
Axenfeld-Rieger syndrome type 3 (RIEG3). Also called: AXENFELD-RIEGER ANOMALY WITH CARDIAC DEFECTS AND/OR SENSORINEURAL HEARING LOSS. Identifiers: Orphanet 782, MedGen C2678503, MONDO:0011233, OMIM 602482.

Submission:

Labcorp Genetics (formerly Invitae), Labcorp
Classification: Uncertain significance for Axenfeld-Rieger syndrome type 3. Last evaluated: 2024-09-17. Review status: criteria provided, single submitter. Criteria: Invitae Variant Classification Sherloc (09022015). Collection method: clinical testing. Allele origin: germline.
Comment: This sequence change affects codon 279 of the FOXC1 mRNA. It is a 'silent' change, meaning that it does not change the encoded amino acid sequence of the FOXC1 protein. This variant is not present in population databases (gnomAD no frequency). This variant has not been reported in the literature in individuals affected with FOXC1-related conditions. In summary, the available evidence is currently insufficient to determine the role of this variant in disease. Therefore, it has been classified as a Variant of Uncertain Significance.